The following is an entry in ClinVar:

ClinVar aggregate classification (germline): Uncertain significance (1 of 4 stars; one submission).

Allele frequency attached by ClinVar (database versions not stated): gnomAD exomes 0.00001; TOPMed 0.00001; ExAC 0.00002; gnomAD 0.00002 and 0.00003.
gnomAD v4.1: 26 of 1,614,034 alleles (0.0016%); highest among the groups gnomAD compares: African/African-American, 0.0053%; no homozygotes.

Submission:

GeneDx
Classification: Uncertain significance. Last evaluated: 2019-05-13. Review status: criteria provided, single submitter. Criteria: GeneDx Variant Classification Process June 2021. Collection method: clinical testing. Allele origin: germline. Affected: yes.
Comment: In silico analysis, which includes protein predictors and evolutionary conservation, supports that this variant does not alter protein structure/function; Has not been previously published as pathogenic or benign to our knowledge

NM_015100.4(POGZ):c.3853C>T (p.Arg1285Trp)

Gene: POGZ (pogo transposable element derived with ZNF domain; minus strand). Cytogenetic location: 1q21.3.
Variant type: single nucleotide variant.
Coding change: c.3853C>T on transcript NM_015100.4 (MANE Select); coding-DNA position 3853, C replaced by T.
Protein change: p.Arg1285Trp; replaces arginine 1285 with tryptophan.
Molecular consequence: missense variant.
Genome position (GRCh38, 1-based): chr1:151,405,182, G>A on the plus strand (C>T on the coding strand, the complement: POGZ is on the minus strand). VCF-style: chr1-151405182-G-A. GRCh37 (hg19) VCF-style: chr1-151377658-G-A.
Other names: c.3826C>T, p.Arg1276Trp (NM_001194937.2); c.3667C>T, p.Arg1223Trp (NM_001194938.2); c.3568C>T, p.Arg1190Trp (NM_145796.4); c.3694C>T, p.Arg1232Trp (NM_207171.2); short protein forms R1190W, R1223W, R1232W, R1276W, R1285W.
Identifiers: ClinVar variation 1302319 (VCV001302319.2), dbSNP rs762381513, ClinGen allele CA1090906.
Genomic context (GRCh38, chr1:151,405,182, plus strand): 5'-GCCAGACAAGCACCAGCTGAAGCAGGACATCAGAATCACATGCAGTATCTGCCATTTCCC[G>A]AGCCTGTTCCTTCCATTTTTTATGCAGGAAGTTCTTGACAGTTCTTTTGATGCATACATC-3'
Protein context (NP_055915.2, residues 1275-1295): FLHKKWKEQA[Arg1285Trp]EMADTACDSD